The following is an entry in ClinVar:

NM_006502.3(POLH):c.725C>G (p.Ser242Ter)

Gene: POLH (DNA polymerase eta; plus strand). Cytogenetic location: 6p21.1.
Variant type: single nucleotide variant.
Coding change: c.725C>G on transcript NM_006502.3 (MANE Select); coding-DNA position 725, C replaced by G.
Protein change: p.Ser242Ter; replaces serine 242 with a stop codon.
Molecular consequence: nonsense.
Genome position (GRCh38, 1-based): chr6:43,601,052, C>G. VCF-style: chr6-43601052-C-G. GRCh37 (hg19) VCF-style: chr6-43568789-C-G.
Other names: c.353C>G, p.Ser118Ter (NM_001291969.2); c.725C>G, p.Ser242Ter (NM_001291970.2); short protein forms S242*, S118*.
Identifiers: ClinVar variation 264680 (VCV000264680.7), dbSNP rs745778317, ClinGen allele CA3827063.

ClinVar aggregate classification (germline): Pathogenic. Review status: criteria provided, single submitter (1 of 4 stars). 2 submissions from 2 submitters: Pathogenic (1). 1 of the submissions does not count toward it. Last evaluated 2024-01-12.

Conditions:
Xeroderma pigmentosum variant type. Also called: POLH-Related Xeroderma Pigmentosum; PHOTOSENSITIVITY WITH DEFECTIVE DNA SYNTHESIS; XERODERMA PIGMENTOSUM WITH NORMAL DNA REPAIR RATES. Identifiers: Orphanet 90342, MedGen C1848410, MONDO:0010214, OMIM 278750.

Allele frequency attached by ClinVar (database versions not stated): TOPMed below 0.00001; ExAC 0.00001; gnomAD exomes 0.00001.
gnomAD v4.1: 1 of 1,613,974 alleles (0.000062%); highest among the groups gnomAD compares: East Asian, 0.0022%; no homozygotes.

Submissions (2):

Labcorp Genetics (formerly Invitae), Labcorp
Classification: Pathogenic. Last evaluated: 2024-01-12. Review status: criteria provided, single submitter. Criteria: Invitae Variant Classification Sherloc (09022015). Collection method: clinical testing. Allele origin: germline.
Comment: This sequence change creates a premature translational stop signal (p.Ser242*) in the POLH gene. It is expected to result in an absent or disrupted protein product. Loss-of-function variants in POLH are known to be pathogenic (PMID: 11773631, 24130121, 25256075). This variant is present in population databases (rs745778317, gnomAD 0.01%). This premature translational stop signal has been observed in individual(s) with POLH-related conditions (PMID: 17344931). ClinVar contains an entry for this variant (Variation ID: 264680). Algorithms developed to predict the effect of sequence changes on RNA splicing suggest that this variant may create or strengthen a splice site. For these reasons, this variant has been classified as Pathogenic.

GeneReviews
No classification provided. Condition: Xeroderma pigmentosum variant type. Review status: no classification provided. Collection method: literature only. Allele origin: germline. Affected: yes. Not counted in ClinVar's aggregate classification.

Literature cited by the submitters: PubMed 11773631 (cited by Labcorp Genetics (formerly Invitae), Labcorp); PubMed 24130121 (cited by Labcorp Genetics (formerly Invitae), Labcorp); PubMed 25256075 (cited by Labcorp Genetics (formerly Invitae), Labcorp); PubMed 17344931 (cited by Labcorp Genetics (formerly Invitae), Labcorp); PubMed 18703314 (cited by GeneReviews); NCBI Bookshelf NBK1397 (cited by GeneReviews).